The following is an entry in ClinVar:

ClinVar aggregate classification (germline): Likely pathogenic (0 of 4 stars; one submission).

Conditions:
Pyruvate dehydrogenase E1-alpha deficiency (PDHAD). Also called: ATAXIA, INTERMITTENT, WITH PYRUVATE DEHYDROGENASE DEFICIENCY; ATAXIA WITH LACTIC ACIDOSIS I; ATAXIA, INTERMITTENT, WITH ABNORMAL PYRUVATE METABOLISM; Ataxia, intermittent, with pyruvate dehydrogenase, or decarboxylase, deficiency. Identifiers: Orphanet 79243, MedGen C1839413, MONDO:0010717, OMIM 312170.

Submission:

PDHA1 Study Group, University Children’s Hospital, Paracelsus Medical University
Classification: Likely pathogenic for Pyruvate dehydrogenase E1-alpha deficiency. Last evaluated: 2024-10-15. Review status: no assertion criteria provided. Collection method: research. Allele origin: germline. Affected: yes. Observed: 3 variant alleles.
Comment: The NM_000284.3:c.131A>G (p.His44Arg) substitution is a missense variant in PDHA1 gene. In total, 3 individuals were diagnosed with PDHA1-related Pyruvate dehydrogenase complex (PDHc) deficiency (MIM #312170). The variant has been reported in 2 published cases (PMIDs: 7808831, 29204204). Last literature search: July 12, 2024. This variant is absent or extremely rare in population-based cohorts in the Genome Aggregation Database (gnomAD). Individuals harboring this variant presented with clinical features compatible with PDHA1-related PDHc deficiency. In summary, this variant meets criteria to be classified as likely pathogenic (LP) for PDHA1-related PDHc deficiency based on the ACMG/AMP criteria applied: PM1, PM2, PM7, PP3, PP4 (last assessment October 15, 2024).

Literature cited by the submitters: PubMed 7808831; PubMed 29204204; DOI 10.1093/brain/awaf430.

NM_000284.4(PDHA1):c.131A>G (p.His44Arg)

Gene: PDHA1 (pyruvate dehydrogenase E1 subunit alpha 1; plus strand). Cytogenetic location: Xp22.12.
Variant type: single nucleotide variant.
Coding change: c.131A>G on transcript NM_000284.4 (MANE Select); coding-DNA position 131, A replaced by G.
Protein change: p.His44Arg; replaces histidine 44 with arginine.
Molecular consequence: missense variant.
Genome position (GRCh38, 1-based): chrX:19,349,950, A>G. VCF-style: chrX-19349950-A-G. GRCh37 (hg19) VCF-style: chrX-19368068-A-G.
Other names: c.245A>G, p.His82Arg (NM_001173454.2); c.131A>G, p.His44Arg (NM_001173455.2, NM_001173456.2); short protein forms H44R, H82R.
Identifiers: ClinVar variation 4070484 (VCV004070484.1).